The following is an entry in ClinVar:

NM_020975.6(RET):c.981G>C (p.Gln327His)

Gene: RET (ret proto-oncogene; plus strand). Cytogenetic location: 10q11.21.
Variant type: single nucleotide variant.
Coding change: c.981G>C on transcript NM_020975.6 (MANE Select); coding-DNA position 981, G replaced by C.
Protein change: p.Gln327His; replaces glutamine 327 with histidine.
Molecular consequence: missense variant.
Genome position (GRCh38, 1-based): chr10:43,106,489, G>C. VCF-style: chr10-43106489-G-C. GRCh37 (hg19) VCF-style: chr10-43601937-G-C.
Other names: c.981G>C, p.Gln327His (NM_000323.2, NM_001406743.1, NM_001406744.1 and 6 more transcripts); c.219G>C, p.Gln73His (NM_001355216.2); c.852G>C, p.Gln284His (NM_001406761.1, NM_001406762.1, NM_001406764.1 and 1 more transcripts); c.693G>C, p.Gln231His (NM_001406766.1, NM_001406767.1, NM_001406770.1); short protein forms Q327H, Q73H, Q231H, Q284H.
Identifiers: ClinVar variation 230010 (VCV000230010.10), dbSNP rs876658331, ClinGen allele CA10578859.

ClinVar aggregate classification (germline): Uncertain significance. Review status: criteria provided, multiple submitters, no conflicts (2 of 4 stars). 4 submissions from 4 submitters: Uncertain significance (4). Last evaluated 2026-04-01.

Conditions:
Hereditary cancer-predisposing syndrome. Also called: Neoplastic Syndromes, Hereditary; Hereditary Cancer Syndrome; Tumor predisposition; Hereditary neoplastic syndrome. Identifiers: Orphanet 140162, MedGen C0027672, MeSH D009386, MONDO:0015356.
Multiple endocrine neoplasia, type 2 (MEN2). Identifiers: Orphanet 653, MedGen C4048306, MONDO:0019003. Disease mechanism: gain of function.

Allele frequency attached by ClinVar (database versions not stated): gnomAD exomes below 0.00001.
gnomAD v4.1: 4 of 1,613,768 alleles (0.00025%); highest among the groups gnomAD compares: Non-Finnish European, 0.00034%; no homozygotes.

Submissions (4):

CeGaT Center for Human Genetics Tuebingen
Classification: Uncertain significance. Last evaluated: 2026-04-01. Review status: criteria provided, single submitter. Criteria: CeGaT Center For Human Genetics Tuebingen Variant Classification Criteria Version 2. Collection method: clinical testing. Allele origin: germline. Affected: yes. Observed: 1 variant allele.
Comment: RET: PM2, BP4

All of Us Research Program, National Institutes of Health
Classification: Uncertain significance for Multiple endocrine neoplasia, type 2. Last evaluated: 2023-06-28. Review status: criteria provided, single submitter. Criteria: ACMG Guidelines, 2015. Collection method: clinical testing. Allele origin: germline. Inheritance: Autosomal dominant inheritance. Observed: 1 variant allele, 1 heterozygote.
Comment: This study involves interpretation of variants in research participants for the purpose of population health screening. Participant phenotype was not available at the time of variant classification. Additional details can be found in publication PMID: 35346344, PMCID: PMC8962531

Labcorp Genetics (formerly Invitae), Labcorp
Classification: Uncertain significance for Multiple endocrine neoplasia, type 2. Last evaluated: 2021-08-14. Review status: criteria provided, single submitter. Criteria: Invitae Variant Classification Sherloc (09022015). Collection method: clinical testing. Allele origin: germline.
Comment: This sequence change replaces glutamine with histidine at codon 327 of the RET protein (p.Gln327His). The glutamine residue is weakly conserved and there is a small physicochemical difference between glutamine and histidine. This variant is not present in population databases (ExAC no frequency). This variant has not been reported in the literature in individuals affected with RET-related conditions. ClinVar contains an entry for this variant (Variation ID: 230010). Algorithms developed to predict the effect of missense changes on protein structure and function are either unavailable or do not agree on the potential impact of this missense change (SIFT: "Tolerated"; PolyPhen-2: "Possibly Damaging"; Align-GVGD: "Class C0"). In summary, the available evidence is currently insufficient to determine the role of this variant in disease. Therefore, it has been classified as a Variant of Uncertain Significance.

Ambry Genetics
Classification: Uncertain significance for Hereditary cancer-predisposing syndrome. Last evaluated: 2015-01-12. Review status: criteria provided, single submitter. Criteria: Ambry Autosomal Dominant and X-Linked criteria (10/2015). Collection method: clinical testing. Allele origin: germline. Observed: 1 variant allele.
Comment: The p.Q327H variant (also known as c.981G>C), located in coding exon 5 of the RET gene, results from a G to C substitution at nucleotide position 981. The glutamine at codon 327 is replaced by histidine, an amino acid with highly similar properties. This variant was not reported in population based cohorts in the following databases: Database of Single Nucleotide Polymorphisms (dbSNP), NHLBI Exome Sequencing Project (ESP), and 1000 Genomes Project. In the ESP, this variant was not observed in 6502 samples (13004 alleles) with coverage at this position. To date, this alteration has been detected with an allele frequency of approximately 0.04% (greater than 2500alleles tested) in our clinical cohort.This amino acid position is well conserved in available vertebrate species. In addition, this alteration is predicted to be tolerated by in silico analysis. Since supporting evidence is limited at this time, the clinical significance of p.Q327H remains unclear.